The following is an entry in ClinVar:

ClinVar aggregate classification (germline): Likely pathogenic (1 of 4 stars; one submission).

Conditions:
Dilated cardiomyopathy 1G (CMD1G). Identifiers: Orphanet 154, MedGen C1858763, MONDO:0011400, OMIM 604145.
Autosomal recessive limb-girdle muscular dystrophy type 2J (LGMDR10). Also called: MUSCULAR DYSTROPHY, LIMB-GIRDLE, AUTOSOMAL RECESSIVE 10; Limb-girdle muscular dystrophy, type 2J. Identifiers: Orphanet 140922, MedGen C1837342, MONDO:0012127, OMIM 608807.

Submission:

Labcorp Genetics (formerly Invitae), Labcorp
Classification: Likely pathogenic for Dilated cardiomyopathy 1G; Autosomal recessive limb-girdle muscular dystrophy type 2J. Last evaluated: 2022-05-01. Review status: criteria provided, single submitter. Criteria: Invitae Variant Classification Sherloc (09022015). Collection method: clinical testing. Allele origin: germline.
Comment: In summary, the currently available evidence indicates that the variant is pathogenic, but additional data are needed to prove that conclusively. Therefore, this variant has been classified as Likely Pathogenic. This variant is located in the A band of TTN (PMID: 25589632). Truncating variants in this region are significantly overrepresented in patients affected with dilated cardiomyopathy (PMID: 25589632). Truncating variants in this region have also been reported in individuals affected with autosomal recessive centronuclear myopathy (PMID: 23975875). This variant has not been reported in the literature in individuals affected with TTN-related conditions. This variant is not present in population databases (gnomAD no frequency). This sequence change creates a premature translational stop signal (p.Arg23508Serfs*6) in the TTN gene. While this is not anticipated to result in nonsense mediated decay, it is expected to create a truncated TTN protein.

Literature cited by the submitters: PubMed 25589632; PubMed 23975875.

NM_001267550.2(TTN):c.70524_70525del (p.Arg23508fs)

Genes: TTN-AS1 (TTN antisense RNA 1; plus strand), TTN (titin; minus strand), LOC126806422 (BRD4-independent group 4 enhancer GRCh37_chr2:179440205-179441404; plus strand). Cytogenetic location: 2q31.2.
Variant type: Microsatellite.
Coding change: c.70524_70525del on transcript NM_001267550.2 (MANE Select); coding-DNA positions 70524 to 70525, 2 bases deleted (AG; older notation c.70524_70525delAG).
Protein change: p.Arg23508fs; shifts the reading frame from arginine 23508.
Molecular consequence: frameshift variant.
Genome position (GRCh38, 1-based): chr2:178,575,607-178,575,608, CT deleted on the plus strand (AG on the coding strand, the reverse complement: TTN is on the minus strand); deleting any 2 consecutive bases within chr2:178,575,607-178,575,610 gives the same sequence; the c. name uses the placement nearest the transcript's 3' end. VCF-style (leftmost placement, unchanged base first): chr2-178575606-ACT-A. GRCh37 (hg19) VCF-style: chr2-179440333-ACT-A.
Other names: c.65601_65602del, p.Arg21867fs (NM_001256850.1); c.43329_43330del, p.Arg14443fs (NM_003319.4); c.62820_62821del, p.Arg20940fs (NM_133378.4); c.43704_43705del, p.Arg14568fs (NM_133432.3); c.43905_43906del, p.Arg14635fs (NM_133437.4); short protein forms R14568fs, R14635fs, R21867fs, R23508fs, R20940fs, R14443fs.
Identifiers: ClinVar variation 2132516 (VCV002132516.4), dbSNP rs2468688279, ClinGen allele CA2580614563.
Genomic context (GRCh38, chr2:178,575,606, plus strand): 5'-GCTTTTACGGGCTCTGTAGTTTCTGTTGGCTCACCAATTCCATATTCATTCTCTGCCATC[ACT>A]CTGAAGAAATATTCACACCCTTCAGACAAGCCGGTAACTTTATATGTGCATTTATGGCAC-3'